The following is an entry in ClinVar:

ClinVar aggregate classification (germline): Likely benign. Review status: criteria provided, multiple submitters, no conflicts (2 of 4 stars). 3 submissions from 3 submitters: Likely benign (3). Last evaluated 2025-04-08.

Conditions:
Inborn genetic diseases. Identifiers: MedGen C0950123, MeSH D030342.

Allele frequency attached by ClinVar (database versions not stated): gnomAD 0.00003; gnomAD exomes 0.00003; ExAC 0.00009; 1000 Genomes Project 30x 0.00031; 1000 Genomes Project 0.00040.
gnomAD v4.1: 52 of 1,614,092 alleles (0.0032%); highest among the groups gnomAD compares: South Asian, 0.036%; 1 homozygote.

Submissions (3):

Labcorp Genetics (formerly Invitae), Labcorp
Classification: Likely benign. Last evaluated: 2025-04-08. Review status: criteria provided, single submitter. Criteria: Invitae Variant Classification Sherloc (09022015). Collection method: clinical testing. Allele origin: germline.

Ambry Genetics
Classification: Likely benign for Inborn genetic diseases. Last evaluated: 2025-01-11. Review status: criteria provided, single submitter. Criteria: Ambry Variant Classification Scheme 2023. Collection method: clinical testing. Allele origin: germline.

CeGaT Center for Human Genetics Tuebingen
Classification: Likely benign. Last evaluated: 2024-08-01. Review status: criteria provided, single submitter. Criteria: CeGaT Center For Human Genetics Tuebingen Variant Classification Criteria Version 2. Collection method: clinical testing. Allele origin: germline. Affected: yes. Observed: 1 variant allele.
Comment: ASXL1: BP4, BP7

NM_015338.6(ASXL1):c.4557C>T (p.Cys1519=)

Gene: ASXL1 (ASXL transcriptional regulator 1; plus strand). Cytogenetic location: 20q11.21.
Variant type: single nucleotide variant.
Coding change: c.4557C>T on transcript NM_015338.6 (MANE Select); coding-DNA position 4557, C replaced by T.
Protein change: p.Cys1519=; no amino-acid change (cysteine 1519 retained).
Molecular consequence: synonymous variant.
Genome position (GRCh38, 1-based): chr20:32,437,269, C>T. VCF-style: chr20-32437269-C-T. GRCh37 (hg19) VCF-style: chr20-31025072-C-T.
Other names: c.4374C>T, p.Cys1458= (NM_001363734.1).
Identifiers: ClinVar variation 2974001 (VCV002974001.20), dbSNP rs547168439, ClinGen allele CA9809051.